The following is an entry in ClinVar:

ClinVar aggregate classification (germline): Uncertain significance. Review status: criteria provided, multiple submitters, no conflicts (2 of 4 stars). 2 submissions from 2 submitters: Uncertain significance (2). Last evaluated 2023-08-04.

Conditions:
Cardiovascular phenotype. Identifiers: MedGen CN230736.
Alstrom syndrome (ALMS). Identifiers: Orphanet 64, MedGen C0268425, MONDO:0008763, OMIM 203800.

Submissions (2):

Labcorp Genetics (formerly Invitae), Labcorp
Classification: Uncertain significance for Alstrom syndrome. Last evaluated: 2023-08-04. Review status: criteria provided, single submitter. Criteria: Invitae Variant Classification Sherloc (09022015). Collection method: clinical testing. Allele origin: germline.
Comment: This sequence change replaces asparagine, which is neutral and polar, with lysine, which is basic and polar, at codon 3897 of the ALMS1 protein (p.Asn3897Lys). This variant is not present in population databases (gnomAD no frequency). This variant has not been reported in the literature in individuals affected with ALMS1-related conditions. ClinVar contains an entry for this variant (Variation ID: 1906412). Experimental studies and prediction algorithms are not available or were not evaluated, and the functional significance of this variant is currently unknown. In summary, the available evidence is currently insufficient to determine the role of this variant in disease. Therefore, it has been classified as a Variant of Uncertain Significance.

Ambry Genetics
Classification: Uncertain significance for Cardiovascular phenotype. Last evaluated: 2023-06-04. Review status: criteria provided, single submitter. Criteria: Ambry Variant Classification Scheme 2023. Collection method: clinical testing. Allele origin: germline.
Comment: The p.N3897K variant (also known as c.11691C>A), located in coding exon 18 of the ALMS1 gene, results from a C to A substitution at nucleotide position 11691. The asparagine at codon 3897 is replaced by lysine, an amino acid with similar properties. This amino acid position is not well conserved in available vertebrate species. In addition, this alteration is predicted to be tolerated by in silico analysis. Since supporting evidence is limited at this time, the clinical significance of this alteration remains unclear.

NM_001378454.1(ALMS1):c.11688C>A (p.Asn3896Lys)

Gene: ALMS1 (ALMS1 centrosome and basal body associated protein; plus strand). Cytogenetic location: 2p13.1.
Variant type: single nucleotide variant.
Coding change: c.11688C>A on transcript NM_001378454.1 (MANE Select); coding-DNA position 11688, C replaced by A.
Protein change: p.Asn3896Lys; replaces asparagine 3896 with lysine.
Molecular consequence: missense variant.
Genome position (GRCh38, 1-based): chr2:73,600,697, C>A. VCF-style: chr2-73600697-C-A. GRCh37 (hg19) VCF-style: chr2-73827824-C-A.
Other names: c.11691C>A, p.Asn3897Lys (NM_015120.4); short protein forms N3896K, N3897K.
Identifiers: ClinVar variation 1906412 (VCV001906412.5), dbSNP rs202172921, ClinGen allele CA347264216.